The following is an entry in ClinVar:

ClinVar aggregate classification (germline): Uncertain significance (1 of 4 stars; one submission).

Allele frequency attached by ClinVar (database versions not stated): ExAC 0.00001; gnomAD exomes 0.00001.

Submission:

Labcorp Genetics (formerly Invitae), Labcorp
Classification: Uncertain significance. Last evaluated: 2021-10-05. Review status: criteria provided, single submitter. Criteria: Invitae Variant Classification Sherloc (09022015). Collection method: clinical testing. Allele origin: germline.
Comment: In summary, the available evidence is currently insufficient to determine the role of this variant in disease. Therefore, it has been classified as a Variant of Uncertain Significance. Algorithms developed to predict the effect of missense changes on protein structure and function (SIFT, PolyPhen-2, Align-GVGD) all suggest that this variant is likely to be disruptive. This variant has not been reported in the literature in individuals affected with PTPRO-related conditions. The frequency data for this variant in the population databases is considered unreliable, as metrics indicate poor data quality at this position in the ExAC database. This sequence change replaces methionine with arginine at codon 1035 of the PTPRO protein (p.Met1035Arg). The methionine residue is highly conserved and there is a moderate physicochemical difference between methionine and arginine.

NM_030667.3(PTPRO):c.3104T>G (p.Met1035Arg)

Gene: PTPRO (protein tyrosine phosphatase receptor type O; plus strand). Cytogenetic location: 12p12.3.
Variant type: single nucleotide variant.
Coding change: c.3104T>G on transcript NM_030667.3 (MANE Select); coding-DNA position 3104, T replaced by G.
Protein change: p.Met1035Arg; replaces methionine 1035 with arginine.
Molecular consequence: missense variant.
Genome position (GRCh38, 1-based): chr12:15,580,803, T>G. VCF-style: chr12-15580803-T-G. GRCh37 (hg19) VCF-style: chr12-15733737-T-G.
Other names: c.3020T>G, p.Met1007Arg (NM_002848.4); c.587T>G, p.Met196Arg (NM_030668.3, NM_030670.3); c.671T>G, p.Met224Arg (NM_030669.3, NM_030671.3); short protein forms M196R, M1035R, M224R, M1007R.
Identifiers: ClinVar variation 1479057 (VCV001479057.6), dbSNP rs767491426, ClinGen allele CA6467071.